The following is an entry in ClinVar:

ClinVar aggregate classification (germline): Likely benign. Review status: criteria provided, multiple submitters, no conflicts (2 of 4 stars). 5 submissions from 5 submitters: Likely benign (4). 1 of the submissions does not count toward it. Last evaluated 2025-11-05.

Conditions:
Hypertrophic cardiomyopathy 14. Identifiers: MedGen C2750467, MONDO:0013197, OMIM 613251.
MYH6-related disorder. Also called: MYH6-Related Disorders; MYH6-related condition.
Cardiovascular phenotype. Identifiers: MedGen CN230736.

Allele frequency attached by ClinVar (database versions not stated): ExAC 0.00002; gnomAD exomes 0.00002; TOPMed 0.00002.
gnomAD v4.1: 35 of 1,614,230 alleles (0.0022%); highest among the groups gnomAD compares: Middle Eastern, 0.016%; no homozygotes.

Submissions (5):

Women's Health and Genetics/Laboratory Corporation of America, LabCorp
Classification: Likely benign. Last evaluated: 2025-11-05. Review status: criteria provided, single submitter. Criteria: LabCorp Variant Classification Summary - May 2015. Collection method: clinical testing. Allele origin: germline.

Labcorp Genetics (formerly Invitae), Labcorp
Classification: Likely benign for Hypertrophic cardiomyopathy 14. Last evaluated: 2025-06-17. Review status: criteria provided, single submitter. Criteria: Invitae Variant Classification Sherloc (09022015). Collection method: clinical testing. Allele origin: germline.

Ambry Genetics
Classification: Likely benign for Cardiovascular phenotype. Last evaluated: 2024-09-05. Review status: criteria provided, single submitter. Criteria: Ambry Variant Classification Scheme 2023. Collection method: clinical testing. Allele origin: germline.

Blueprint Genetics
Classification: Likely benign. Last evaluated: 2024-05-15. Review status: criteria provided, single submitter. Criteria: ACMG Guidelines, 2015. Collection method: clinical testing. Allele origin: germline.

PreventionGenetics, part of Exact Sciences
Classification: Likely benign for MYH6-related condition. Last evaluated: 2020-10-28. Review status: no assertion criteria provided. Collection method: clinical testing. Allele origin: germline. Not counted in ClinVar's aggregate classification.
Comment: This variant is classified as likely benign based on ACMG/AMP sequence variant interpretation guidelines (Richards et al. 2015 PMID: 25741868, with internal and published modifications).

NM_002471.4(MYH6):c.1575C>T (p.Ile525=)

Gene: MYH6 (myosin heavy chain 6; minus strand). Cytogenetic location: 14q11.2.
Variant type: single nucleotide variant.
Coding change: c.1575C>T on transcript NM_002471.4 (MANE Select); coding-DNA position 1575, C replaced by T.
Protein change: p.Ile525=; no amino-acid change (isoleucine 525 retained).
Molecular consequence: synonymous variant.
Genome position (GRCh38, 1-based): chr14:23,400,262, G>A on the plus strand (C>T on the coding strand, the complement: MYH6 is on the minus strand). VCF-style: chr14-23400262-G-A. GRCh37 (hg19) VCF-style: chr14-23869471-G-A.
Other names: c.1575C>T (NM_002471.3).
Identifiers: ClinVar variation 871969 (VCV000871969.24), dbSNP rs756615422, ClinGen allele CA7115779.